The following is an entry in ClinVar:

NM_000059.4(BRCA2):c.9426T>A (p.Asp3142Glu)

Gene: BRCA2 (BRCA2 DNA repair associated; plus strand). Cytogenetic location: 13q13.1.
Variant type: single nucleotide variant.
Coding change: c.9426T>A on transcript NM_000059.4 (MANE Select); coding-DNA position 9426, T replaced by A.
Protein change: p.Asp3142Glu; replaces aspartic acid 3142 with glutamic acid.
Molecular consequence: missense variant. On other transcripts: non-coding transcript variant (1).
Genome position (GRCh38, 1-based): chr13:32,394,858, T>A. VCF-style: chr13-32394858-T-A. GRCh37 (hg19) VCF-style: chr13-32968995-T-A.
Other names: c.9330T>A, p.Asp3110Glu (NM_001406719.1); c.9375T>A, p.Asp3125Glu (NM_001406720.1); c.4494T>A, p.Asp1498Glu (NM_001406721.1); c.3009T>A, p.Asp1003Glu (NM_001406722.1); short protein forms D1003E, D3142E, D1498E, D3110E, D3125E.
Identifiers: ClinVar variation 2713314 (VCV002713314.4), dbSNP rs786201946, ClinGen allele CA387761497.

ClinVar aggregate classification (germline): Uncertain significance. Review status: criteria provided, multiple submitters, no conflicts (2 of 4 stars). 2 submissions from 2 submitters: Uncertain significance (2). Last evaluated 2025-01-01.

Conditions:
Hereditary cancer-predisposing syndrome. Also called: Neoplastic Syndromes, Hereditary; Tumor predisposition; Hereditary Cancer Syndrome; Hereditary neoplastic syndrome. Identifiers: Orphanet 140162, MedGen C0027672, MeSH D009386, MONDO:0015356.
Hereditary breast ovarian cancer syndrome. Also called: Hereditary breast and ovarian cancer syndrome; Hereditary breast and ovarian cancer syndrome (HBOC); Hereditary breast and/or ovarian cancer syndrome; Hereditary breast and ovarian cancer; Breast and ovarian cancer; BRCA1- and BRCA2-Associated Hereditary Breast and Ovarian Cancer. Identifiers: Orphanet 145, MedGen C0677776, MeSH D061325, MONDO:0003582. Disease mechanism: loss of function.

Submissions (2):

Ambry Genetics
Classification: Uncertain significance for Hereditary cancer-predisposing syndrome. Last evaluated: 2025-01-01. Review status: criteria provided, single submitter. Criteria: Ambry Variant Classification Scheme 2023. Collection method: clinical testing. Allele origin: germline.
Comment: The p.D3142E variant (also known as c.9426T>A), located in coding exon 24 of the BRCA2 gene, results from a T to A substitution at nucleotide position 9426. The aspartic acid at codon 3142 is replaced by glutamic acid, an amino acid with highly similar properties. This amino acid position is conserved. In addition, the in silico prediction for this alteration is inconclusive. Based on the available evidence, the clinical significance of this variant remains unclear.

Labcorp Genetics (formerly Invitae), Labcorp
Classification: Uncertain significance for Hereditary breast ovarian cancer syndrome. Last evaluated: 2024-01-30. Review status: criteria provided, single submitter. Criteria: Invitae Variant Classification Sherloc (09022015). Collection method: clinical testing. Allele origin: germline.
Comment: This sequence change replaces aspartic acid, which is acidic and polar, with glutamic acid, which is acidic and polar, at codon 3142 of the BRCA2 protein (p.Asp3142Glu). This variant is not present in population databases (gnomAD no frequency). This variant has not been reported in the literature in individuals affected with BRCA2-related conditions. Advanced modeling of protein sequence and biophysical properties (such as structural, functional, and spatial information, amino acid conservation, physicochemical variation, residue mobility, and thermodynamic stability) performed at Invitae indicates that this missense variant is not expected to disrupt BRCA2 protein function with a negative predictive value of 95%. In summary, the available evidence is currently insufficient to determine the role of this variant in disease. Therefore, it has been classified as a Variant of Uncertain Significance.